The following is an entry in ClinVar:

NM_001048174.2(MUTYH):c.265-2A>G

Gene: MUTYH (mutY DNA glycosylase; minus strand). Cytogenetic location: 1p34.1.
Variant type: single nucleotide variant.
Coding change: c.265-2A>G on transcript NM_001048174.2 (MANE Select); the canonical splice acceptor site of the intron before coding-DNA position 265, A replaced by G.
Molecular consequence: splice acceptor variant.
Genome position (GRCh38, 1-based): chr1:45,333,326, T>C on the plus strand (A>G on the coding strand, the complement: MUTYH is on the minus strand). VCF-style: chr1-45333326-T-C. GRCh37 (hg19) VCF-style: chr1-45798998-T-C.
Other names: c.265-2A>G (NM_001407072.1, NM_001048171.2, NM_001407070.1 and 6 more transcripts); c.-7-2A>G (NM_001350651.2, NM_001350650.2, NM_001407082.1); c.-12-2A>G (NM_001293192.2, NM_001293196.2, NM_001407091.1); c.307-2A>G (NM_001407073.1, NM_001407083.1, NM_001407085.1); c.310-2A>G (NM_001293190.2); c.340-2A>G (NM_001407069.1, NM_012222.3); c.349-2A>G (NM_001128425.2); c.268-2A>G (NM_001407071.1, NM_001407079.1, NM_001048172.2 and 2 more transcripts); and 3 more.
Identifiers: ClinVar variation 1731947 (VCV001731947.3), dbSNP rs2524250418, ClinGen allele CA340136323.

ClinVar aggregate classification (germline): Likely pathogenic. Review status: criteria provided, multiple submitters, no conflicts (2 of 4 stars). 2 submissions from 2 submitters: Likely pathogenic (2). Last evaluated 2025-11-17.

Conditions:
Hereditary cancer-predisposing syndrome. Also called: Hereditary Cancer Syndrome; Hereditary neoplastic syndrome; Neoplastic Syndromes, Hereditary; Tumor predisposition. Identifiers: Orphanet 140162, MedGen C0027672, MeSH D009386, MONDO:0015356.
Familial adenomatous polyposis 2. Also called: MUTYH-associated polyposis; MUTYH-related attenuated familial adenomatous polyposis; FAP type 2; Adenomas, multiple colorectal; MYH-associated polyposis; MUTYH Polyposis. Identifiers: Orphanet 220460, Orphanet 247798, MedGen C3272841, MONDO:0012041, OMIM 608456.

Allele frequency attached by ClinVar (database versions not stated): gnomAD exomes below 0.00001.
gnomAD v4.1: 1 of 1,614,218 alleles (0.000062%); highest among the groups gnomAD compares: Non-Finnish European, 0.000085%; no homozygotes.

Submissions (2):

Labcorp Genetics (formerly Invitae), Labcorp
Classification: Likely pathogenic for Familial adenomatous polyposis 2. Last evaluated: 2025-11-17. Review status: criteria provided, single submitter. Criteria: Invitae Variant Classification Sherloc (09022015). Collection method: clinical testing. Allele origin: germline.
Comment: This sequence change affects an acceptor splice site in intron 3 of the MUTYH gene. It is expected to disrupt RNA splicing. Variants that disrupt the donor or acceptor splice site typically lead to a loss of protein function (PMID: 16199547), and loss-of-function variants in MUTYH are known to be pathogenic (PMID: 18534194, 20663686). This variant is not present in population databases (gnomAD no frequency). This variant has not been reported in the literature in individuals affected with MUTYH-related conditions. ClinVar contains an entry for this variant (Variation ID: 1731947). Algorithms developed to predict the effect of sequence changes on RNA splicing suggest that this variant may disrupt the consensus splice site. In summary, the currently available evidence indicates that the variant is pathogenic, but additional data are needed to prove that conclusively. Therefore, this variant has been classified as Likely Pathogenic.

Ambry Genetics
Classification: Likely pathogenic for Hereditary cancer-predisposing syndrome. Last evaluated: 2021-11-09. Review status: criteria provided, single submitter. Criteria: Ambry Variant Classification Scheme 2023. Collection method: clinical testing. Allele origin: germline.
Comment: The c.349-2A>G intronic variant results from an A to G substitution two nucleotides upstream from coding exon 4 in the MUTYH gene. This nucleotide position is highly conserved in available vertebrate species. In silico splice site analysis predicts that this alteration will weaken the native splice acceptor site. In one study, this alteration and another MUTYH alteration (R245H) were identified in a compound heterozygous state in an individual with MAP (Thomas LE et al. Gastroenterology, 2021 02;160:952-954.e4). This variant is considered to be rare based on population cohorts in the Genome Aggregation Database (gnomAD). Alterations that disrupt the canonical splice site are expected to cause aberrant splicing, resulting in an abnormal protein or a transcript that is subject to nonsense-mediated mRNA decay. As such, this alteration is classified as likely pathogenic.

Literature cited by the submitters: PubMed 16199547 (cited by Labcorp Genetics (formerly Invitae), Labcorp); PubMed 18534194 (cited by Labcorp Genetics (formerly Invitae), Labcorp); PubMed 20663686 (cited by Labcorp Genetics (formerly Invitae), Labcorp); PubMed 33130102 (cited by Ambry Genetics).